The following is an entry in ClinVar:

ClinVar aggregate classification (germline): Likely benign. Review status: criteria provided, multiple submitters, no conflicts (2 of 4 stars). 2 submissions from 2 submitters: Likely benign (2). Last evaluated 2024-10-04.

Conditions:
Epilepsy, progressive myoclonic, 1B. Also called: PME. Identifiers: Orphanet 308, MedGen C2676254, MONDO:0012904, OMIM 612437.

Allele frequency attached by ClinVar (database versions not stated): 1000 Genomes Project 30x 0.00078; TOPMed 0.00001; gnomAD exomes 0.00005 and 0.00015; gnomAD below 0.00001 and 0.00005; ExAC 0.00018; 1000 Genomes Project 0.00080.
gnomAD v4.1: 76 of 1,613,652 alleles (0.0047%); highest among the groups gnomAD compares: South Asian, 0.079%; no homozygotes.

Submissions (2):

Labcorp Genetics (formerly Invitae), Labcorp
Classification: Likely benign for Epilepsy, progressive myoclonic, 1B. Last evaluated: 2024-10-04. Review status: criteria provided, single submitter. Criteria: Invitae Variant Classification Sherloc (09022015). Collection method: clinical testing. Allele origin: germline.

GeneDx
Classification: Likely benign. Last evaluated: 2017-04-28. Review status: criteria provided, single submitter. Criteria: GeneDx Variant Classification (06012015). Collection method: clinical testing. Allele origin: germline. Affected: yes.
Comment: This variant is considered likely benign or benign based on one or more of the following criteria: it is a conservative change, it occurs at a poorly conserved position in the protein, it is predicted to be benign by multiple in silico algorithms, and/or has population frequency not consistent with disease.

NM_153026.3(PRICKLE1):c.776-14C>T

Genes: PRICKLE1 (prickle planar cell polarity protein 1; minus strand), LOC126861509 (BRD4-independent group 4 enhancer GRCh37_chr12:42858567-42859766; plus strand). Cytogenetic location: 12q12.
Variant type: single nucleotide variant.
Coding change: c.776-14C>T on transcript NM_153026.3 (MANE Select); 14 bases into the intron before coding-DNA position 776, C replaced by T.
Molecular consequence: intron variant.
Genome position (GRCh38, 1-based): chr12:42,465,272, G>A on the plus strand (C>T on the coding strand, the complement: PRICKLE1 is on the minus strand). VCF-style: chr12-42465272-G-A. GRCh37 (hg19) VCF-style: chr12-42859074-G-A.
Other names: c.776-14C>T (NM_001144883.2, NM_001144882.2, NM_001144881.2).
Identifiers: ClinVar variation 516509 (VCV000516509.6), dbSNP rs527292011, ClinGen allele CA6519833.